The following is an entry in ClinVar:

NM_001112741.2(KCNC1):c.1023C>G (p.Ser341Arg)

Gene: KCNC1 (potassium voltage-gated channel subfamily C member 1; plus strand). Cytogenetic location: 11p15.1.
Variant type: single nucleotide variant.
Coding change: c.1023C>G on transcript NM_001112741.2 (MANE Select); coding-DNA position 1023, C replaced by G.
Protein change: p.Ser341Arg; replaces serine 341 with arginine.
Molecular consequence: missense variant.
Genome position (GRCh38, 1-based): chr11:17,772,117, C>G. VCF-style: chr11-17772117-C-G. GRCh37 (hg19) VCF-style: chr11-17793664-C-G.
Other names: c.1023C>G, p.Ser341Arg (NM_004976.4); short protein forms S341R.
Identifiers: ClinVar variation 2575090 (VCV002575090.1), dbSNP rs2497800432, ClinGen allele CA379807400.
Genomic context (GRCh38, chr11:17,772,117, plus strand): 5'-CTTTAAGCTGACCCGCCACTTTGTGGGCCTGCGGGTCCTGGGCCACACGCTCCGAGCCAG[C>G]ACCAACGAGTTCCTGCTGCTCATCATCTTCCTGGCCTTGGGCGTGCTGATCTTCGCCACC-3'
Protein context (NP_001106212.1, residues 331-351): LRVLGHTLRA[Ser341Arg]TNEFLLLIIF

ClinVar aggregate classification (germline): Likely pathogenic (1 of 4 stars; one submission).

Conditions:
Progressive myoclonic epilepsy type 7. Identifiers: Orphanet 435438, MedGen C4015420, MONDO:0014521, OMIM 616187.

Submission:

HUSP Clinical Genetics Laboratory, Hospital Universitario San Pedro De Logroño (HUSP)
Classification: Likely pathogenic for Progressive myoclonic epilepsy type 7. Review status: criteria provided, single submitter. Criteria: ACMG Guidelines, 2015. Collection method: clinical testing. Allele origin: de novo. Inheritance: Autosomal dominant inheritance. Affected: yes. Observed: 1 variant allele.
Comment: The c.1023C>G variant in the exon 2 of the KCNC1 (NM_001112741.2) gene results in a change of the predicted protein because of a substitution of a serine amino acid for arginine (p.Ser341Arg). The variant has not been reported previously in the literature and it is not detected in general population. Pathogenic variants in the KCNC1 gene have been associated with the following phenotype: Epilepsy, progressive myoclonic 7 (OMIM:616187), with autosomal dominant inheritance.